The following is an entry in ClinVar:

NM_015202.5(KATNIP):c.3139G>A (p.Val1047Ile)

Gene: KATNIP (katanin interacting protein; plus strand). Cytogenetic location: 16p12.1.
Variant type: single nucleotide variant.
Coding change: c.3139G>A on transcript NM_015202.5 (MANE Select); coding-DNA position 3139, G replaced by A.
Protein change: p.Val1047Ile; replaces valine 1047 with isoleucine.
Molecular consequence: missense variant.
Genome position (GRCh38, 1-based): chr16:27,750,099, G>A. VCF-style: chr16-27750099-G-A. GRCh37 (hg19) VCF-style: chr16-27761420-G-A.
Other names: c.3139G>A (NM_015202.3); short protein forms V1047I.
Identifiers: ClinVar variation 3112874 (VCV003112874.2), dbSNP rs774087683, ClinGen allele CA7978158.

ClinVar aggregate classification (germline): Uncertain significance. Review status: criteria provided, multiple submitters, no conflicts (2 of 4 stars). 2 submissions from 2 submitters: Uncertain significance (2). Last evaluated 2025-06-13.

Allele frequency attached by ClinVar (database versions not stated): TOPMed 0.00003; ExAC 0.00001.
gnomAD v4.1: 5 of 1,614,078 alleles (0.00031%); highest among the groups gnomAD compares: African/African-American, 0.0067%; no homozygotes.

Submissions (2):

GeneDx
Classification: Uncertain significance. Last evaluated: 2025-06-13. Review status: criteria provided, single submitter. Criteria: GeneDx Variant Classification Process June 2021. Collection method: clinical testing. Allele origin: germline. Affected: yes.
Comment: Not observed at significant frequency in large population cohorts (gnomAD); In silico analysis suggests that this missense variant does not alter protein structure/function; Has not been previously published as pathogenic or benign to our knowledge

Ambry Genetics
Classification: Uncertain significance. Last evaluated: 2021-08-12. Review status: criteria provided, single submitter. Criteria: Ambry Variant Classification Scheme 2023. Collection method: clinical testing. Allele origin: germline.